The following is an entry in ClinVar:

ClinVar aggregate classification (germline): Uncertain significance (1 of 4 stars; one submission).

Conditions:
Inborn genetic diseases. Identifiers: MedGen C0950123, MeSH D030342.

gnomAD v4.1: 2 of 1,614,162 alleles (0.00012%); highest among the groups gnomAD compares: Non-Finnish European, 0.00017%; no homozygotes.

Submission:

Ambry Genetics
Classification: Uncertain significance for Inborn genetic diseases. Last evaluated: 2025-05-08. Review status: criteria provided, single submitter. Criteria: Ambry Variant Classification Scheme 2023. Collection method: clinical testing. Allele origin: germline.
Comment: The p.C975S variant (also known as c.2924G>C), located in coding exon 13 of the ASXL1 gene, results from a G to C substitution at nucleotide position 2924. The cysteine at codon 975 is replaced by serine, an amino acid with dissimilar properties. This amino acid position is conserved. In addition, this alteration is predicted to be tolerated by in silico analysis. Based on the available evidence, the clinical significance of this variant remains unclear.

NM_015338.6(ASXL1):c.2924G>C (p.Cys975Ser)

Gene: ASXL1 (ASXL transcriptional regulator 1; plus strand). Cytogenetic location: 20q11.21.
Variant type: single nucleotide variant.
Coding change: c.2924G>C on transcript NM_015338.6 (MANE Select); coding-DNA position 2924, G replaced by C.
Protein change: p.Cys975Ser; replaces cysteine 975 with serine.
Molecular consequence: missense variant.
Genome position (GRCh38, 1-based): chr20:32,435,636, G>C. VCF-style: chr20-32435636-G-C. GRCh37 (hg19) VCF-style: chr20-31023439-G-C.
Other names: c.2741G>C, p.Cys914Ser (NM_001363734.1); short protein forms C975S, C914S.
Identifiers: ClinVar variation 3956756 (VCV003956756.1).